The following is an entry in ClinVar:

ClinVar aggregate classification (germline): Conflicting classifications of pathogenicity. Review status: criteria provided, conflicting classifications (1 of 4 stars). 3 submissions from 3 submitters: Uncertain significance (1); Likely benign (2). Last evaluated 2023-02-10.

Conditions:
Inborn genetic diseases. Identifiers: MedGen C0950123, MeSH D030342.
Rhizomelic chondrodysplasia punctata type 3 (RCDP3). Also called: ALKYLDIHYDROXYACETONEPHOSPHATE SYNTHASE DEFICIENCY; Alkylglycerone Phosphate Synthase (AGPS) deficiency. Identifiers: Orphanet 177, Orphanet 309803, MedGen C1838612, MONDO:0010823, OMIM 600121. Disease mechanism: loss of function.

Allele frequency attached by ClinVar (database versions not stated): TOPMed 0.00028; gnomAD 0.00029 and 0.00030; gnomAD exomes 0.00040; ExAC 0.00050.
gnomAD v4.1: 634 of 1,553,518 alleles (0.041%); highest among the groups gnomAD compares: Non-Finnish European, 0.049%; 1 homozygote.

Submissions (3):

ARUP Laboratories, Molecular Genetics and Genomics, ARUP Laboratories
Classification: Likely benign for Rhizomelic chondrodysplasia punctata type 3. Last evaluated: 2023-02-10. Review status: criteria provided, single submitter. Criteria: ARUP Molecular Germline Variant Investigation Process 2024. Collection method: clinical testing. Allele origin: germline.

Ambry Genetics
Classification: Uncertain significance for Inborn genetic diseases. Last evaluated: 2022-05-25. Review status: criteria provided, single submitter. Criteria: Ambry Variant Classification Scheme 2023. Collection method: clinical testing. Allele origin: germline.

Illumina Laboratory Services, Illumina
Classification: Likely benign for Rhizomelic chondrodysplasia punctata type 3. Last evaluated: 2018-01-13. Review status: criteria provided, single submitter. Criteria: ICSL Variant Classification Criteria 13 December 2019. Collection method: clinical testing. Allele origin: germline.
Comment: This variant was observed in the ICSL laboratory as part of a predisposition screen in an ostensibly healthy population. It had not been previously curated by ICSL or reported in the Human Gene Mutation Database (HGMD: prior to June 1st, 2018), and was therefore a candidate for classification through an automated scoring system. Utilizing variant allele frequency, disease prevalence and penetrance estimates, and inheritance mode, an automated score was calculated to assess if this variant is too frequent to cause the disease. Based on the score and internal cut-off values, a variant classified as likely benign is not then subjected to further curation. The score for this variant resulted in a classification of likely benign for this disease.

NM_003659.4(AGPS):c.65C>G (p.Ala22Gly)

Genes: AGPS (alkylglycerone phosphate synthase; plus strand), LOC129935172 (ATAC-STARR-seq lymphoblastoid silent region 12147; plus strand). Cytogenetic location: 2q31.2.
Variant type: single nucleotide variant.
Coding change: c.65C>G on transcript NM_003659.4 (MANE Select); coding-DNA position 65, C replaced by G.
Protein change: p.Ala22Gly; replaces alanine 22 with glycine.
Molecular consequence: missense variant.
Genome position (GRCh38, 1-based): chr2:177,392,854, C>G. VCF-style: chr2-177392854-C-G. GRCh37 (hg19) VCF-style: chr2-178257582-C-G.
Other names: short protein forms A22G.
Identifiers: ClinVar variation 332510 (VCV000332510.8), dbSNP rs767584572, ClinGen allele CA1980002.